The following is an entry in ClinVar:

NM_020831.6(MRTFA):c.595A>G (p.Ile199Val)

Gene: MRTFA (myocardin related transcription factor A; minus strand). Cytogenetic location: 22q13.1.
Variant type: single nucleotide variant.
Coding change: c.595A>G on transcript NM_020831.6 (MANE Select); coding-DNA position 595, A replaced by G.
Protein change: p.Ile199Val; replaces isoleucine 199 with valine.
Molecular consequence: missense variant.
Genome position (GRCh38, 1-based): chr22:40,429,612, T>C on the plus strand (A>G on the coding strand, the complement: MRTFA is on the minus strand). VCF-style: chr22-40429612-T-C. GRCh37 (hg19) VCF-style: chr22-40825616-T-C.
Other names: c.295A>G, p.Ile99Val (NM_001282660.2); c.595A>G, p.Ile199Val (NM_001282661.3, NM_001282662.3); c.400A>G, p.Ile134Val (NM_001318139.2); short protein forms I134V, I99V, I199V.
Identifiers: ClinVar variation 2088325 (VCV002088325.4), dbSNP rs2053027304, ClinGen allele CA411667908.

ClinVar aggregate classification (germline): Uncertain significance (1 of 4 stars; one submission).

Allele frequency attached by ClinVar (database versions not stated): gnomAD exomes below 0.00001; gnomAD 0.00001.
gnomAD v4.1: 2 of 1,613,986 alleles (0.00012%); highest among the groups gnomAD compares: Non-Finnish European, 0.00017%; no homozygotes.

Submission:

Labcorp Genetics (formerly Invitae), Labcorp
Classification: Uncertain significance. Last evaluated: 2024-02-19. Review status: criteria provided, single submitter. Criteria: Invitae Variant Classification Sherloc (09022015). Collection method: clinical testing. Allele origin: germline.
Comment: This sequence change replaces isoleucine, which is neutral and non-polar, with valine, which is neutral and non-polar, at codon 99 of the MKL1 protein (p.Ile99Val). This variant is not present in population databases (gnomAD no frequency). This variant has not been reported in the literature in individuals affected with MKL1-related conditions. ClinVar contains an entry for this variant (Variation ID: 2088325). An algorithm developed to predict the effect of missense changes on protein structure and function (PolyPhen-2) suggests that this variant is likely to be tolerated. In summary, the available evidence is currently insufficient to determine the role of this variant in disease. Therefore, it has been classified as a Variant of Uncertain Significance.